The following is an entry in ClinVar:

NM_007255.3(B4GALT7):c.473A>G (p.Tyr158Cys)

Gene: B4GALT7 (beta-1,4-galactosyltransferase 7; plus strand). Cytogenetic location: 5q35.3.
Variant type: single nucleotide variant.
Coding change: c.473A>G on transcript NM_007255.3 (MANE Select); coding-DNA position 473, A replaced by G.
Protein change: p.Tyr158Cys; replaces tyrosine 158 with cysteine.
Molecular consequence: missense variant.
Genome position (GRCh38, 1-based): chr5:177,607,361, A>G. VCF-style: chr5-177607361-A-G. GRCh37 (hg19) VCF-style: chr5-177034362-A-G.
Other names: short protein forms Y158C.
Identifiers: ClinVar variation 4688300 (VCV004688300.1).

ClinVar aggregate classification (germline): Uncertain significance (1 of 4 stars; one submission).

gnomAD v4.1: 13 of 1,613,938 alleles (0.00081%); highest among the groups gnomAD compares: African/African-American, 0.0013%; no homozygotes.

Submission:

Women's Health and Genetics/Laboratory Corporation of America, LabCorp
Classification: Uncertain significance. Last evaluated: 2025-12-15. Review status: criteria provided, single submitter. Criteria: LabCorp Variant Classification Summary - May 2015. Collection method: clinical testing. Allele origin: germline.
Comment: Variant summary: B4GALT7 c.473A>G (p.Tyr158Cys) results in a non-conservative amino acid change in the encoded protein sequence. Algorithms developed to predict the effect of missense changes on protein structure and function are either unavailable or do not agree on the potential impact of this missense change. The variant allele was found at a frequency of 4e-06 in 251036 control chromosomes. The available data on variant occurrences in the general population are insufficient to allow any conclusion about variant significance. To our knowledge, no occurrence of c.473A>G in individuals affected with B4GALT7-related conditions and no experimental evidence demonstrating its impact on protein function have been reported. No submitters have cited clinical-significance assessments for this variant to ClinVar. Based on the evidence outlined above, the variant was classified as uncertain significance.